The following is an entry in ClinVar:

NM_024747.6(HPS6):c.124C>G (p.His42Asp)

Genes: HPS6 (HPS6 biogenesis of lysosomal organelles complex 2 subunit 3; plus strand), LOC130004578 (ATAC-STARR-seq lymphoblastoid silent region 2738; plus strand). Cytogenetic location: 10q24.32.
Variant type: single nucleotide variant.
Coding change: c.124C>G on transcript NM_024747.6 (MANE Select); coding-DNA position 124, C replaced by G.
Protein change: p.His42Asp; replaces histidine 42 with aspartic acid.
Molecular consequence: missense variant.
Genome position (GRCh38, 1-based): chr10:102,065,598, C>G. VCF-style: chr10-102065598-C-G. GRCh37 (hg19) VCF-style: chr10-103825355-C-G.
Other names: short protein forms H42D.
Identifiers: ClinVar variation 3672649 (VCV003672649.2).

ClinVar aggregate classification (germline): Uncertain significance (1 of 4 stars; one submission).

Submission:

Labcorp Genetics (formerly Invitae), Labcorp
Classification: Uncertain significance. Last evaluated: 2024-05-12. Review status: criteria provided, single submitter. Criteria: Invitae Variant Classification Sherloc (09022015). Collection method: clinical testing. Allele origin: germline.
Comment: This sequence change replaces histidine, which is basic and polar, with aspartic acid, which is acidic and polar, at codon 42 of the HPS6 protein (p.His42Asp). This variant is not present in population databases (gnomAD no frequency). This variant has not been reported in the literature in individuals affected with HPS6-related conditions. Advanced modeling of protein sequence and biophysical properties (such as structural, functional, and spatial information, amino acid conservation, physicochemical variation, residue mobility, and thermodynamic stability) performed at Invitae indicates that this missense variant is not expected to disrupt HPS6 protein function with a negative predictive value of 80%. In summary, the available evidence is currently insufficient to determine the role of this variant in disease. Therefore, it has been classified as a Variant of Uncertain Significance.